The following is an entry in ClinVar:

NM_002473.6(MYH9):c.4830C>T (p.Ala1610=)

Gene: MYH9 (myosin heavy chain 9; minus strand). Cytogenetic location: 22q12.3.
Variant type: single nucleotide variant.
Coding change: c.4830C>T on transcript NM_002473.6 (MANE Select); coding-DNA position 4830, C replaced by T.
Protein change: p.Ala1610=; no amino-acid change (alanine 1610 retained).
Molecular consequence: synonymous variant.
Genome position (GRCh38, 1-based): chr22:36,288,354, G>A on the plus strand (C>T on the coding strand, the complement: MYH9 is on the minus strand). VCF-style: chr22-36288354-G-A. GRCh37 (hg19) VCF-style: chr22-36684400-G-A.
Other names: c.4830C>T (NM_002473.5).
Identifiers: ClinVar variation 341498 (VCV000341498.10), dbSNP rs751904301, ClinGen allele CA10209277.
Genomic context (GRCh38, chr22:36,288,354, plus strand): 5'-GTTGGCCGAGTCGATGTGCGCCTCCAGGTCCTTCAGGTCCATCTCCAGCTTCTTCCGGGC[G>A]GCCACTGCCATCGAGCGCTGCTTCCTCTCGTCCTCCAGCTCTGCCTCCATCTCCCGCACC-3'
Protein context (NP_002464.1, residues 1600-1620): DERKQRSMAV[Ala1610=]ARKKLEMDLK

ClinVar aggregate classification (germline): Conflicting classifications of pathogenicity. Review status: criteria provided, conflicting classifications (1 of 4 stars). 4 submissions from 3 submitters: Uncertain significance (1); Benign (2). 1 of the submissions does not count toward it. Last evaluated 2025-06-22.

Conditions:
Autosomal dominant nonsyndromic hearing loss 17. Also called: Autosomal dominant nonsyndromic deafness 17; Deafness, autosomal dominant 17. Identifiers: Orphanet 90635, MedGen C1863659, MONDO:0011350, OMIM 603622.
MYH9-related disorder. Identifiers: MedGen C1854520.

Allele frequency attached by ClinVar (database versions not stated): ExAC 0.00002; gnomAD exomes 0.00002; gnomAD 0.00003 and 0.00004; TOPMed 0.00003.
gnomAD v4.1: 37 of 1,613,804 alleles (0.0023%); highest among the groups gnomAD compares: African/African-American, 0.0093%; no homozygotes.

Submissions (4):

Labcorp Genetics (formerly Invitae), Labcorp
Classification: Benign. Last evaluated: 2025-06-22. Review status: criteria provided, single submitter. Criteria: Invitae Variant Classification Sherloc (09022015). Collection method: clinical testing. Allele origin: germline.

Illumina Laboratory Services, Illumina
Classification: Benign for MYH9-related disorder. Last evaluated: 2018-01-12. Review status: criteria provided, single submitter. Criteria: ICSL Variant Classification Criteria 13 December 2019. Collection method: clinical testing. Allele origin: germline.
Comment: This variant was observed in the ICSL laboratory as part of a predisposition screen in an ostensibly healthy population. It had not been previously curated by ICSL or reported in the Human Gene Mutation Database (HGMD: prior to June 1st, 2018), and was therefore a candidate for classification through an automated scoring system. Utilizing variant allele frequency, disease prevalence and penetrance estimates, and inheritance mode, an automated score was calculated to assess if this variant is too frequent to cause the disease. Based on the score and internal cut-off values, a variant classified as benign is not then subjected to further curation. The score for this variant resulted in a classification of benign for this disease.

Illumina Laboratory Services, Illumina
Classification: Uncertain significance for Autosomal dominant nonsyndromic hearing loss 17. Last evaluated: 2018-01-12. Review status: criteria provided, single submitter. Criteria: ICSL Variant Classification Criteria 13 December 2019. Collection method: clinical testing. Allele origin: germline.

PreventionGenetics, part of Exact Sciences
Classification: Likely benign for MYH9-related condition. Last evaluated: 2020-12-23. Review status: no assertion criteria provided. Collection method: clinical testing. Allele origin: germline. Not counted in ClinVar's aggregate classification.
Comment: This variant is classified as likely benign based on ACMG/AMP sequence variant interpretation guidelines (Richards et al. 2015 PMID: 25741868, with internal and published modifications).